The following is an entry in ClinVar:

ClinVar aggregate classification (germline): Benign/Likely benign. Review status: criteria provided, multiple submitters, no conflicts (2 of 4 stars). 3 submissions from 3 submitters: Benign (1); Likely benign (1). 1 of the submissions does not count toward it. Last evaluated 2024-11-06.

Conditions:
IFT172-related disorder. Also called: IFT172-related condition; IFT172-related disorders.
Short-rib thoracic dysplasia 10 with or without polydactyly (SRTD10). Identifiers: Orphanet 474, MedGen C3810175, MONDO:0014284, OMIM 615630.
Retinitis pigmentosa 71 (RP71). Identifiers: Orphanet 791, MedGen C4225342, MONDO:0014618, OMIM 616394.

Allele frequency attached by ClinVar (database versions not stated): TOPMed below 0.00001; gnomAD 0.00005; gnomAD exomes 0.00013 and 0.00023; 1000 Genomes Project 30x 0.00016; ExAC 0.00023.
gnomAD v4.1: 202 of 1,613,982 alleles (0.013%); highest among the groups gnomAD compares: South Asian, 0.21%; 4 homozygotes.

Submissions (3):

Labcorp Genetics (formerly Invitae), Labcorp
Classification: Benign for Retinitis pigmentosa 71; Short-rib thoracic dysplasia 10 with or without polydactyly. Last evaluated: 2024-11-06. Review status: criteria provided, single submitter. Criteria: Invitae Variant Classification Sherloc (09022015). Collection method: clinical testing. Allele origin: germline.

Blueprint Genetics
Classification: Likely benign. Last evaluated: 2023-03-22. Review status: criteria provided, single submitter. Criteria: ACMG Guidelines, 2015. Collection method: clinical testing. Allele origin: germline.

PreventionGenetics, part of Exact Sciences
Classification: Likely benign for IFT172-related condition. Last evaluated: 2021-10-07. Review status: no assertion criteria provided. Collection method: clinical testing. Allele origin: germline. Not counted in ClinVar's aggregate classification.
Comment: This variant is classified as likely benign based on ACMG/AMP sequence variant interpretation guidelines (Richards et al. 2015 PMID: 25741868, with internal and published modifications).

NM_015662.3(IFT172):c.3594T>C (p.Ser1198=)

Genes: IFT172 (intraflagellar transport 172; minus strand), LOC126806173 (BRD4-independent group 4 enhancer GRCh37_chr2:27676057-27677256; plus strand). Cytogenetic location: 2p23.3.
Variant type: single nucleotide variant.
Coding change: c.3594T>C on transcript NM_015662.3 (MANE Select); coding-DNA position 3594, T replaced by C.
Protein change: p.Ser1198=; no amino-acid change (serine 1198 retained).
Molecular consequence: synonymous variant.
Genome position (GRCh38, 1-based): chr2:27,454,099, A>G on the plus strand (T>C on the coding strand, the complement: IFT172 is on the minus strand). VCF-style: chr2-27454099-A-G. GRCh37 (hg19) VCF-style: chr2-27676966-A-G.
Other names: c.3594T>C (NM_015662.2).
Identifiers: ClinVar variation 1168704 (VCV001168704.12), dbSNP rs775374622, ClinGen allele CA1579926.